The following is an entry in ClinVar:

ClinVar aggregate classification (germline): Uncertain significance (1 of 4 stars; one submission).

Submission:

GeneDx
Classification: Uncertain significance. Last evaluated: 2015-09-17. Review status: criteria provided, single submitter. Criteria: GeneDx Variant Classification (06012015). Collection method: clinical testing. Allele origin: germline. Affected: yes.
Comment: The E426D variant has not been published as a pathogenic, nor has it been reported as a benign polymorphism to our knowledge. It was not observed in approximately 6,500 individuals of European and African American ancestry in the NHLBI Exome Sequencing Project, indicating it is not a common benign variant in these populations. The E426D variant is a conservative amino acid substitution, which is not likely to impact secondary protein structure as these residues share similar properties. However, this substitution occurs at a position that is conserved across species. In silico analysis is inconsistent in its predictions as to whether or not the E426D variant is damaging to the protein structure/function. Based on the currently available information, it is unclear whether this variant is a pathogenic variant or a rare benign variant.

NM_001370298.3(FGD4):c.1689A>C (p.Glu563Asp)

Gene: FGD4 (FYVE, RhoGEF and PH domain containing 4; plus strand). Cytogenetic location: 12p11.21.
Variant type: single nucleotide variant.
Coding change: c.1689A>C on transcript NM_001370298.3 (MANE Select); coding-DNA position 1689, A replaced by C.
Protein change: p.Glu563Asp; replaces glutamic acid 563 with aspartic acid.
Molecular consequence: missense variant.
Genome position (GRCh38, 1-based): chr12:32,611,223, A>C. VCF-style: chr12-32611223-A-C. GRCh37 (hg19) VCF-style: chr12-32764157-A-C.
Other names: c.1533A>C, p.Glu511Asp (NM_001304481.2); c.534A>C, p.Glu178Asp (NM_001304483.2); c.246A>C, p.Glu82Asp (NM_001304484.2); c.999A>C, p.Glu333Asp (NM_001330373.2, NM_001330374.2, NM_001384130.1); c.726A>C, p.Glu242Asp (NM_001370297.1); c.1689A>C, p.Glu563Asp (NM_001384126.1); c.1278A>C, p.Glu426Asp (NM_001384127.1, NM_001384128.1, NM_001385118.1 and 1 more transcripts); short protein forms E426D, E511D, E333D, E178D, E82D, E242D, E563D.
Identifiers: ClinVar variation 245919 (VCV000245919.2), dbSNP rs879254000, ClinGen allele CA10584432.